The following is an entry in ClinVar:

ClinVar aggregate classification (germline): Uncertain significance (1 of 4 stars; one submission).

Allele frequency attached by ClinVar (database versions not stated): ExAC 0.00002; gnomAD 0.00002; TOPMed 0.00002; ESP Exome Variant Server 0.00008.
gnomAD v4.1: 29 of 1,613,834 alleles (0.0018%); highest among the groups gnomAD compares: Admixed American, 0.005%; no homozygotes.

Submission:

Labcorp Genetics (formerly Invitae), Labcorp
Classification: Uncertain significance. Last evaluated: 2024-06-17. Review status: criteria provided, single submitter. Criteria: Invitae Variant Classification Sherloc (09022015). Collection method: clinical testing. Allele origin: germline.
Comment: This sequence change replaces arginine, which is basic and polar, with cysteine, which is neutral and slightly polar, at codon 244 of the NDUFAF1 protein (p.Arg244Cys). This variant is present in population databases (rs141504721, gnomAD 0.003%). This variant has not been reported in the literature in individuals affected with NDUFAF1-related conditions. ClinVar contains an entry for this variant (Variation ID: 2167671). Advanced modeling of protein sequence and biophysical properties (such as structural, functional, and spatial information, amino acid conservation, physicochemical variation, residue mobility, and thermodynamic stability) performed at Invitae indicates that this missense variant is expected to disrupt NDUFAF1 protein function with a positive predictive value of 80%. In summary, the available evidence is currently insufficient to determine the role of this variant in disease. Therefore, it has been classified as a Variant of Uncertain Significance.

NM_016013.4(NDUFAF1):c.730C>T (p.Arg244Cys)

Gene: NDUFAF1 (NADH:ubiquinone oxidoreductase complex assembly factor 1; minus strand). Cytogenetic location: 15q15.1.
Variant type: single nucleotide variant.
Coding change: c.730C>T on transcript NM_016013.4 (MANE Select); coding-DNA position 730, C replaced by T.
Protein change: p.Arg244Cys; replaces arginine 244 with cysteine.
Molecular consequence: missense variant. On other transcripts: non-coding transcript variant (1).
Genome position (GRCh38, 1-based): chr15:41,394,888, G>A on the plus strand (C>T on the coding strand, the complement: NDUFAF1 is on the minus strand). VCF-style: chr15-41394888-G-A. GRCh37 (hg19) VCF-style: chr15-41687086-G-A.
Other names: short protein forms R244C.
Identifiers: ClinVar variation 2167671 (VCV002167671.4), dbSNP rs141504721, ClinGen allele CA7491271.
Genomic context (GRCh38, chr15:41,394,888, plus strand): 5'-TTTTATAAACAATGAAGATTTATGCTGTTACCTTGACCTCCTGCCAGTAGGGTCCCCCGC[G>A]GGTGAACATGAAGTAACTATACATCTGATTCGTCCTCTGGAAGAAATCTGTGTCCTCCTT-3'
Protein context (NP_057097.2, residues 234-254): NQMYSYFMFT[Arg244Cys]GGPYWQEVKI